The following is an entry in ClinVar:

ClinVar aggregate classification (germline): Likely pathogenic (1 of 4 stars; one submission).

Conditions:
Mitochondrial disease. Also called: Mitochondrial disorders; Mitochondrial disorder. Identifiers: Orphanet 68380, MedGen C0751651, MeSH D028361, MONDO:0044970.

Submission:

Genomenon, Inc
Classification: Likely pathogenic for Mitochondrial disease. Last evaluated: 2025-11-24. Review status: criteria provided, single submitter. Criteria: Genomenon Sequence Variant Interpretation Standards - Updated. Collection method: curation. Allele origin: germline. Affected: yes.
Comment: TK2 p.Thr184Ile (c.551C>T) is a missense variant that changes the amino acid at residue 184 from Threonine to Isoleucine. This variant has been observed in a proband affected with mitochondrial disease in the compound heterozygous state, with a pathogenic or likely pathogenic variant confirmed in trans (35289132). This variant is not present at a significant frequency in gnomAD, and in silico models agree that this variant is possibly or probably damaging. In conclusion, we classify TK2 p.Thr184Ile (c.551C>T) as a likely pathogenic variant.

Literature cited by the submitters: PubMed 35289132.

NM_004614.5(TK2):c.551C>T (p.Thr184Ile)

Gene: TK2 (thymidine kinase 2; minus strand). Cytogenetic location: 16q21.
Variant type: single nucleotide variant.
Coding change: c.551C>T on transcript NM_004614.5 (MANE Select); coding-DNA position 551, C replaced by T.
Protein change: p.Thr184Ile; replaces threonine 184 with isoleucine.
Molecular consequence: missense variant. On other transcripts: non-coding transcript variant (1), intron variant (1).
Genome position (GRCh38, 1-based): chr16:66,517,203, G>A on the plus strand (C>T on the coding strand, the complement: TK2 is on the minus strand). VCF-style: chr16-66517203-G-A. GRCh37 (hg19) VCF-style: chr16-66551106-G-A.
Other names: c.458C>T, p.Thr153Ile (NM_001172643.1); c.476C>T, p.Thr159Ile (NM_001172644.2); c.497C>T, p.Thr166Ile (NM_001172645.2); c.404C>T, p.Thr135Ile (NM_001271934.2); c.260C>T, p.Thr87Ile (NM_001272050.2); c.357-3392C>T (NM_001271935.1); short protein forms T135I, T153I, T159I, T166I, T184I, T87I.
Identifiers: ClinVar variation 3778864 (VCV003778864.2).
Genomic context (GRCh38, chr16:66,517,203, plus strand): 5'-ATGACCTTCTCCTCTTCCCTGCATCTCTTCTTTAACCTCTGGTAACAAGTCTCAGGATTG[G>A]TCCGAAGGTAAACTGAGGTTAAAAGAATACGTGGCTCTCAGGACTCTGCTCATGGCTTGG-3'
Protein context (NP_004605.4, residues 174-194): VSVDLIVYLR[Thr184Ile]NPETCYQRLK